The following is an entry in ClinVar:

NM_001371986.1(UNC80):c.2428C>A (p.His810Asn)

Gene: UNC80 (unc-80 homolog, NALCN channel complex subunit; plus strand). Cytogenetic location: 2q34.
Variant type: single nucleotide variant.
Coding change: c.2428C>A on transcript NM_001371986.1 (MANE Select); coding-DNA position 2428, C replaced by A.
Protein change: p.His810Asn; replaces histidine 810 with asparagine.
Molecular consequence: missense variant.
Genome position (GRCh38, 1-based): chr2:209,826,003, C>A. VCF-style: chr2-209826003-C-A. GRCh37 (hg19) VCF-style: chr2-210690727-C-A.
Other names: c.2428C>A, p.His810Asn (NM_032504.2, NM_182587.4); short protein forms H810N.
Identifiers: ClinVar variation 1995135 (VCV001995135.1), dbSNP rs1402937378, ClinGen allele CA350137379.

ClinVar aggregate classification (germline): Uncertain significance (1 of 4 stars; one submission).

Allele frequency attached by ClinVar (database versions not stated): gnomAD 0.00001; TOPMed 0.00002.
gnomAD v4.1: 1 of 1,550,650 alleles (0.000064%); highest among the groups gnomAD compares: Admixed American, 0.002%; no homozygotes.

Submission:

Labcorp Genetics (formerly Invitae), Labcorp
Classification: Uncertain significance. Last evaluated: 2022-08-16. Review status: criteria provided, single submitter. Criteria: Invitae Variant Classification Sherloc (09022015). Collection method: clinical testing. Allele origin: germline.
Comment: This sequence change replaces histidine, which is basic and polar, with asparagine, which is neutral and polar, at codon 810 of the UNC80 protein (p.His810Asn). This variant is present in population databases (no rsID available, gnomAD 0.1%). This variant has not been reported in the literature in individuals affected with UNC80-related conditions. Algorithms developed to predict the effect of missense changes on protein structure and function are either unavailable or do not agree on the potential impact of this missense change (SIFT: "Not Available"; PolyPhen-2: "Probably Damaging"; Align-GVGD: "Not Available"). In summary, the available evidence is currently insufficient to determine the role of this variant in disease. Therefore, it has been classified as a Variant of Uncertain Significance.